The following is an entry in ClinVar:

ClinVar aggregate classification (germline): Uncertain significance (1 of 4 stars; one submission).

Submission:

GeneDx
Classification: Uncertain significance. Last evaluated: 2023-12-06. Review status: criteria provided, single submitter. Criteria: GeneDx Variant Classification Process June 2021. Collection method: clinical testing. Allele origin: germline. Affected: yes.
Comment: Not observed at significant frequency in large population cohorts (gnomAD); In silico analysis supports that this missense variant does not alter protein structure/function; Has not been previously published as pathogenic or benign to our knowledge

NM_016333.4(SRRM2):c.460C>A (p.Gln154Lys)

Genes: SRRM2 (serine/arginine repetitive matrix 2; plus strand), LOC126862261 (BRD4-independent group 4 enhancer GRCh37_chr16:2807529-2808728; plus strand). Cytogenetic location: 16p13.3.
Variant type: single nucleotide variant.
Coding change: c.460C>A on transcript NM_016333.4 (MANE Select); coding-DNA position 460, C replaced by A.
Protein change: p.Gln154Lys; replaces glutamine 154 with lysine.
Molecular consequence: missense variant.
Genome position (GRCh38, 1-based): chr16:2,757,890, C>A. VCF-style: chr16-2757890-C-A. GRCh37 (hg19) VCF-style: chr16-2807891-C-A.
Other names: short protein forms Q154K.
Identifiers: ClinVar variation 3363995 (VCV003363995.1).